The following is an entry in ClinVar:

NM_001378328.1(CELSR1):c.168C>T (p.Cys56=)

Gene: CELSR1 (cadherin EGF LAG seven-pass G-type receptor 1; minus strand). Cytogenetic location: 22q13.31.
Variant type: single nucleotide variant.
Coding change: c.168C>T on transcript NM_001378328.1 (MANE Select); coding-DNA position 168, C replaced by T.
Protein change: p.Cys56=; no amino-acid change (cysteine 56 retained).
Molecular consequence: synonymous variant.
Genome position (GRCh38, 1-based): chr22:46,537,003, G>A on the plus strand (C>T on the coding strand, the complement: CELSR1 is on the minus strand). VCF-style: chr22-46537003-G-A. GRCh37 (hg19) VCF-style: chr22-46932900-G-A.
Other names: c.168C>T (NM_014246.1); c.168C>T, p.Cys56= (NM_014246.4).
Identifiers: ClinVar variation 3770949 (VCV003770949.14).

ClinVar aggregate classification (germline): Likely benign. Review status: criteria provided, multiple submitters, no conflicts (2 of 4 stars). 2 submissions from 2 submitters: Likely benign (2). Last evaluated 2026-08-10.

Conditions:
CELSR1-related disorder. Also called: CELSR1-related condition.

gnomAD v4.1: 760 of 1,111,546 alleles (0.068%); highest among the groups gnomAD compares: Non-Finnish European, 0.078%; 1 homozygote.

Submissions (2):

PreventionGenetics, part of Exact Sciences
Classification: Likely benign for CELSR1-related condition. Last evaluated: 2026-08-10. Review status: criteria provided, single submitter. Criteria: ACMG Guidelines, 2015. Collection method: clinical testing. Allele origin: germline.
Comment: This variant is classified as likely benign based on ACMG/AMP sequence variant interpretation guidelines (Richards et al. 2015 PMID: 25741868, with internal and published modifications).

CeGaT Center for Human Genetics Tuebingen
Classification: Likely benign. Last evaluated: 2024-12-01. Review status: criteria provided, single submitter. Criteria: CeGaT Center For Human Genetics Tuebingen Variant Classification Criteria Version 2. Collection method: clinical testing. Allele origin: germline. Affected: yes. Observed: 1 variant allele.
Comment: CELSR1: BP4, BP7